The following is an entry in ClinVar:

NM_052872.4(IL17F):c.97del (p.Ile33fs)

Gene: IL17F (interleukin 17F; minus strand). Cytogenetic location: 6p12.2.
Variant type: Deletion.
Coding change: c.97del on transcript NM_052872.4 (MANE Select); coding-DNA position 97, one base deleted (A; older notation c.97delA).
Protein change: p.Ile33fs; shifts the reading frame from isoleucine 33.
Molecular consequence: frameshift variant.
Genome position (GRCh38, 1-based): chr6:52,238,887, T deleted on the plus strand (A on the coding strand, the reverse complement: IL17F is on the minus strand); the first of 4 consecutive T bases (chr6:52,238,887-52,238,890); deleting any one gives the same sequence. VCF-style (leftmost placement, unchanged base first): chr6-52238886-AT-A. GRCh37 (hg19) VCF-style: chr6-52103684-AT-A.
Other names: short protein forms I33fs.
Identifiers: ClinVar variation 2732939 (VCV002732939.3), dbSNP rs746592495, ClinGen allele CA2578646378.

ClinVar aggregate classification (germline): Uncertain significance (1 of 4 stars; one submission).

Conditions:
Candidiasis, familial, 6 (CANDF6). Also called: Candidiasis, familial, 6, autosomal dominant. Identifiers: Orphanet 1334, MedGen C3151405, MONDO:0013503, OMIM 613956.

Submission:

Labcorp Genetics (formerly Invitae), Labcorp
Classification: Uncertain significance for Candidiasis, familial, 6. Last evaluated: 2023-04-29. Review status: criteria provided, single submitter. Criteria: Invitae Variant Classification Sherloc (09022015). Collection method: clinical testing. Allele origin: germline.
Comment: This variant is not present in population databases (gnomAD no frequency). In summary, the available evidence is currently insufficient to determine the role of this variant in disease. Therefore, it has been classified as a Variant of Uncertain Significance. Experimental studies and prediction algorithms are not available or were not evaluated, and the functional significance of this variant is currently unknown. This variant has not been reported in the literature in individuals affected with IL17F-related conditions. This sequence change creates a premature translational stop signal (p.Ile33Serfs*4) in the IL17F gene. It is expected to result in an absent or disrupted protein product. However, the current clinical and genetic evidence is not sufficient to establish whether loss-of-function variants in IL17F cause disease.